The following is an entry in ClinVar:

NM_004369.4(COL6A3):c.8224A>C (p.Met2742Leu)

Gene: COL6A3 (collagen type VI alpha 3 chain; minus strand). Cytogenetic location: 2q37.3.
Variant type: single nucleotide variant.
Coding change: c.8224A>C on transcript NM_004369.4 (MANE Select); coding-DNA position 8224, A replaced by C.
Protein change: p.Met2742Leu; replaces methionine 2742 with leucine.
Molecular consequence: missense variant.
Genome position (GRCh38, 1-based): chr2:237,340,692, T>G on the plus strand (A>C on the coding strand, the complement: COL6A3 is on the minus strand). VCF-style: chr2-237340692-T-G. GRCh37 (hg19) VCF-style: chr2-238249335-T-G.
Other names: c.6403A>C, p.Met2135Leu (NM_057166.5); c.7606A>C, p.Met2536Leu (NM_057167.4); short protein forms M2742L, M2536L, M2135L.
Identifiers: ClinVar variation 2861804 (VCV002861804.3), dbSNP rs2469804606, ClinGen allele CA351195981.
Genomic context (GRCh38, chr2:237,340,692, plus strand): 5'-CCTGCAGGATGACTCTCTGGGCCTCCTCCAGCTGCTGCTCCGGCACCTCGCCCGTCAGCA[T>G]CAGGACCACAATTTTCAGGTCCCGTGGGTTTGGGGCACTTTCAAAGACATTCTCTATGGT-3'
Protein context (NP_004360.2, residues 2732-2752): NPRDLKIVVL[Met2742Leu]LTGEVPEQQL

ClinVar aggregate classification (germline): Uncertain significance (1 of 4 stars; one submission).

Conditions:
Bethlem myopathy 1A. Also called: Bethlem myopathy 1; MYOPATHY, BENIGN CONGENITAL, WITH CONTRACTURES; Bethlem Muscular Dystrophy. Identifiers: Orphanet 610, MedGen CN029274, MONDO:0024530, OMIM 158810.

Submission:

Labcorp Genetics (formerly Invitae), Labcorp
Classification: Uncertain significance for Bethlem myopathy 1A. Last evaluated: 2023-05-02. Review status: criteria provided, single submitter. Criteria: Invitae Variant Classification Sherloc (09022015). Collection method: clinical testing. Allele origin: germline.
Comment: This sequence change replaces methionine, which is neutral and non-polar, with leucine, which is neutral and non-polar, at codon 2742 of the COL6A3 protein (p.Met2742Leu). This variant is not present in population databases (gnomAD no frequency). In summary, the available evidence is currently insufficient to determine the role of this variant in disease. Therefore, it has been classified as a Variant of Uncertain Significance. Advanced modeling of protein sequence and biophysical properties (such as structural, functional, and spatial information, amino acid conservation, physicochemical variation, residue mobility, and thermodynamic stability) performed at Invitae indicates that this missense variant is not expected to disrupt COL6A3 protein function. This variant has not been reported in the literature in individuals affected with COL6A3-related conditions.